The following is an entry in ClinVar:

ClinVar aggregate classification (germline): Likely benign. Review status: reviewed by expert panel (3 of 4 stars). 14 submissions from 14 submitters: Likely benign (1). 13 of the submissions do not count toward it. Last evaluated 2024-12-03.

Conditions:
Noonan syndrome and Noonan-related syndrome. Identifiers: Orphanet 98733, MedGen C5681679, MONDO:0020297.
Cardiovascular phenotype. Identifiers: MedGen CN230736.
RASopathy. Also called: rasopathies; Noonan spectrum disorder. Identifiers: Orphanet 536391, MedGen C5555857, MONDO:0021060.
Noonan syndrome 6 (NS6). Also called: NRAS-Related Noonan Syndrome. Identifiers: Orphanet 648, MedGen C2750732, MONDO:0013186, OMIM 613224.

Allele frequency attached by ClinVar (database versions not stated): gnomAD 0.00034; TOPMed 0.00036; ESP Exome Variant Server 0.00038; 1000 Genomes Project 30x 0.00016; gnomAD exomes 0.00031 and 0.00056; 1000 Genomes Project 0.00020; ExAC 0.00026.
gnomAD v4.1: 864 of 1,613,266 alleles (0.054%); highest among the groups gnomAD compares: Non-Finnish European, 0.068%; no homozygotes.

Submissions (14):

ClinGen RASopathy Variant Curation Expert Panel
Classification: Likely benign for RASopathy. Last evaluated: 2024-12-03. Review status: reviewed by expert panel. Criteria: ClinGen RASopathy ACMG Specifications NRAS V2.3.0. Collection method: curation. Allele origin: germline. Inheritance: Autosomal dominant inheritance.
Comment: The NM_002524.5:c.360G>A (p.Leu120=) variant is a synonymous (silent) variant in NRAS that is not predicted by SpliceAI to impact splicing. In addition, it occurs at a nucleotide that is not conserved as shown by UCSC Genome Browser (BP4, BP7). The filtering allele frequency (the lower threshold of the 95% CI of 77/129188) of the c.360G>A variant in NRAS is 0.0004832 for European (non-Finnish) chromosomes by gnomAD v2.1.1, which is higher than the ClinGen RASopathy VCEP threshold (≥0.00025) for BS1, and therefore meets this criterion (BS1). Observed in 1 individual with a co-occurring likely pathogenic/pathogenic variant in a gene that explains their condition, Noonan syndrome (Invitae internal data, ClinVar SCV000253394.6). In summary, this variant meets the criteria to be classified as likely benign for autosomal dominant RASopathy based on the ACMG/AMP criteria applied, as specified by the ClinGen RASopathy VCEP: BS1, BP4, BP5, BP7. (ClinGen RASopathy VCEP specifications version 2.3; 12/3/2024)

CeGaT Center for Human Genetics Tuebingen
Classification: Likely benign. Last evaluated: 2026-08-01. Review status: criteria provided, single submitter. Criteria: CeGaT Center For Human Genetics Tuebingen Variant Classification Criteria Version 2. Collection method: clinical testing. Allele origin: germline. Affected: yes. Observed: 7 variant alleles. Not counted in ClinVar's aggregate classification.
Comment: NRAS: BP4, BP7

Labcorp Genetics (formerly Invitae), Labcorp
Classification: Likely benign for RASopathy. Last evaluated: 2026-02-02. Review status: criteria provided, single submitter. Criteria: Invitae Variant Classification Sherloc (09022015). Collection method: clinical testing. Allele origin: germline. Not counted in ClinVar's aggregate classification.

Mayo Clinic Laboratories, Mayo Clinic
Classification: Benign. Last evaluated: 2025-02-18. Review status: criteria provided, single submitter. Criteria: ACMG Guidelines, 2015. Collection method: clinical testing. Allele origin: germline. Observed: 5 variant alleles. Not counted in ClinVar's aggregate classification.
Comment: BA1, BP4, BP7

Laboratory of Genetics, Children's Clinical University Hospital Latvia
Classification: Likely benign. Last evaluated: 2025-02-16. Review status: criteria provided, single submitter. Criteria: ACMG Guidelines, 2015. Collection method: clinical testing. Allele origin: germline. Affected: yes. Not counted in ClinVar's aggregate classification.

Blueprint Genetics
Classification: Likely benign. Last evaluated: 2024-09-12. Review status: criteria provided, single submitter. Criteria: ACMG Guidelines, 2015. Collection method: clinical testing. Allele origin: germline. Not counted in ClinVar's aggregate classification.

Ambry Genetics
Classification: Likely benign for Cardiovascular phenotype. Last evaluated: 2022-03-04. Review status: criteria provided, single submitter. Criteria: Ambry Variant Classification Scheme 2023. Collection method: clinical testing. Allele origin: germline. Not counted in ClinVar's aggregate classification.

Laboratory for Molecular Medicine, Mass General Brigham Personalized Medicine
Classification: Likely benign. Last evaluated: 2017-10-10. Review status: criteria provided, single submitter. Criteria: LMM Criteria. Collection method: clinical testing. Allele origin: germline. Observed: 3 variant alleles. Not counted in ClinVar's aggregate classification.
Comment: p.Leu120Leu in exon 4 of NRAS: This variant is not expected to have clinical sig nificance because it does not alter an amino acid residue and is not located nea r a splice junction. This has been identified in 74/ 126720 of European chromoso mes by the Genome Aggregation Database (gnomAD ; dbSNP rs143020946).

Illumina Laboratory Services, Illumina
Classification: Uncertain significance for Noonan syndrome 6. Last evaluated: 2017-04-27. Review status: criteria provided, single submitter. Criteria: ICSL Variant Classification Criteria 13 December 2019. Collection method: clinical testing. Allele origin: germline. Not counted in ClinVar's aggregate classification.
Comment: This variant was observed as part of a predisposition screen in an ostensibly healthy population. A literature search was performed for the gene, cDNA change, and amino acid change (where applicable). Publications were found based on this search. However, the evidence from the literature, in combination with allele frequency data from public databases where available, was not sufficient to rule this variant in or out of causing disease. Therefore, this variant is classified as a variant of unknown significance.

Women's Health and Genetics/Laboratory Corporation of America, LabCorp
Classification: Benign. Last evaluated: 2017-04-10. Review status: criteria provided, single submitter. Criteria: LabCorp Variant Classification Summary - May 2015. Collection method: clinical testing. Allele origin: germline. Not counted in ClinVar's aggregate classification.
Comment: Variant summary: The NRAS c.360G>A (p.Leu120Leu) variant involves the alteration of a non-conserved nucleotide, resulting in a synonymous change. One in silico tool predicts a damaging outcome for this variant. 5/5 splice prediction tools predict no significant impact on normal splicing. This variant was found in 32/121378 control chromosomes, predominantly observed in the European (Non-Finnish) subpopulation at a frequency of 0.000465 (31/66724). This frequency is about 186 times the estimated maximal expected allele frequency of a pathogenic NRAS variant (0.0000025), suggesting this is likely a benign polymorphism found primarily in the populations of European (Non-Finnish) origin. In addition, multiple clinical diagnostic laboratories/reputable databases classified this variant as likely benign/benign. Taken together, this variant is classified as benign.

Genome Diagnostics Laboratory, The Hospital for Sick Children
Classification: Likely benign for Noonan syndrome and Noonan-related syndrome. Last evaluated: 2016-12-12. Review status: criteria provided, single submitter. Criteria: ACMG Guidelines, 2015. Collection method: clinical testing. Allele origin: germline. Not counted in ClinVar's aggregate classification.

GeneDx
Classification: Benign. Last evaluated: 2013-02-08. Review status: criteria provided, single submitter. Criteria: GeneDx Variant Classification (06012015). Collection method: clinical testing. Allele origin: germline. Affected: yes. Not counted in ClinVar's aggregate classification.
Comment: This variant is considered likely benign or benign based on one or more of the following criteria: it is a conservative change, it occurs at a poorly conserved position in the protein, it is predicted to be benign by multiple in silico algorithms, and/or has population frequency not consistent with disease.

Clinical Genetics DNA and cytogenetics Diagnostics Lab, Erasmus MC, Erasmus Medical Center
Classification: Likely benign. Review status: no assertion criteria provided. Collection method: clinical testing. Allele origin: germline. Affected: yes. Study: VKGL Data-share Consensus. Not counted in ClinVar's aggregate classification.

Genome Diagnostics Laboratory, University Medical Center Utrecht
Classification: Likely benign. Review status: no assertion criteria provided. Collection method: clinical testing. Allele origin: germline. Affected: yes. Study: VKGL Data-share Consensus. Not counted in ClinVar's aggregate classification.

Literature cited by the submitters: PubMed 26661077 (cited by Illumina Laboratory Services, Illumina).

NM_002524.5(NRAS):c.360G>A (p.Leu120=)

Gene: NRAS (NRAS proto-oncogene, GTPase; minus strand). Cytogenetic location: 1p13.2.
Variant type: single nucleotide variant.
Coding change: c.360G>A on transcript NM_002524.5 (MANE Select); coding-DNA position 360, G replaced by A.
Protein change: p.Leu120=; no amino-acid change (leucine 120 retained).
Molecular consequence: synonymous variant.
Genome position (GRCh38, 1-based): chr1:114,709,659, C>T on the plus strand (G>A on the coding strand, the complement: NRAS is on the minus strand). VCF-style: chr1-114709659-C-T. GRCh37 (hg19) VCF-style: chr1-115252280-C-T.
Other names: p.L120L; p.L120L:TTG>TTA; NM_002524.5(NRAS):c.360G>A; p.Leu120=.
Identifiers: ClinVar variation 40476 (VCV000040476.54), dbSNP rs143020946, ClinGen allele CA134569.